The following is an entry in ClinVar:

ClinVar aggregate classification (germline): Conflicting classifications of pathogenicity. Review status: criteria provided, conflicting classifications (1 of 4 stars). 3 submissions from 3 submitters: Uncertain significance (2); Likely benign (1). Last evaluated 2026-02-18.

Conditions:
Inborn genetic diseases. Identifiers: MedGen C0950123, MeSH D030342.

Allele frequency attached by ClinVar (database versions not stated): TOPMed 0.00003; gnomAD 0.00003.

Submissions (3):

GeneDx
Classification: Uncertain significance. Last evaluated: 2026-02-18. Review status: criteria provided, single submitter. Criteria: GeneDx Variant Classification Process June 2021. Collection method: clinical testing. Allele origin: germline.
Comment: Not observed at significant frequency in large population cohorts (gnomAD); In silico analysis suggests that this missense variant does not alter protein structure/function; Has not been previously published as pathogenic or benign to our knowledge

Ambry Genetics
Classification: Likely benign for Inborn genetic diseases. Last evaluated: 2025-12-18. Review status: criteria provided, single submitter. Criteria: Ambry Variant Classification Scheme 2023. Collection method: clinical testing. Allele origin: germline.

Labcorp Genetics (formerly Invitae), Labcorp
Classification: Uncertain significance. Last evaluated: 2022-06-21. Review status: criteria provided, single submitter. Criteria: Invitae Variant Classification Sherloc (09022015). Collection method: clinical testing. Allele origin: germline.
Comment: This sequence change replaces methionine, which is neutral and non-polar, with leucine, which is neutral and non-polar, at codon 153 of the SLC19A2 protein (p.Met153Leu). This variant is present in population databases (no rsID available, gnomAD 0.004%). This variant has not been reported in the literature in individuals affected with SLC19A2-related conditions. Advanced modeling of protein sequence and biophysical properties (such as structural, functional, and spatial information, amino acid conservation, physicochemical variation, residue mobility, and thermodynamic stability) performed at Invitae indicates that this missense variant is not expected to disrupt SLC19A2 protein function. In summary, the available evidence is currently insufficient to determine the role of this variant in disease. Therefore, it has been classified as a Variant of Uncertain Significance.

NM_006996.3(SLC19A2):c.457A>C (p.Met153Leu)

Gene: SLC19A2 (solute carrier family 19 member 2; minus strand). Cytogenetic location: 1q24.2.
Variant type: single nucleotide variant.
Coding change: c.457A>C on transcript NM_006996.3 (MANE Select); coding-DNA position 457, A replaced by C.
Protein change: p.Met153Leu; replaces methionine 153 with leucine.
Molecular consequence: missense variant. On other transcripts: intron variant (1).
Genome position (GRCh38, 1-based): chr1:169,477,505, T>G on the plus strand (A>C on the coding strand, the complement: SLC19A2 is on the minus strand). VCF-style: chr1-169477505-T-G. GRCh37 (hg19) VCF-style: chr1-169446743-T-G.
Other names: c.205-7319A>C (NM_001319667.1); c.457A>C (NM_006996.2); short protein forms M153L.
Identifiers: ClinVar variation 2060318 (VCV002060318.4), dbSNP rs1462731008, ClinGen allele CA343110449.